The following is an entry in ClinVar:

NM_139343.3(BIN1):c.552G>C (p.Gln184His)

Gene: BIN1 (bridging integrator 1; minus strand). Cytogenetic location: 2q14.3.
Variant type: single nucleotide variant.
Coding change: c.552G>C on transcript NM_139343.3 (MANE Select); coding-DNA position 552, G replaced by C.
Protein change: p.Gln184His; replaces glutamine 184 with histidine.
Molecular consequence: missense variant. On other transcripts: intron variant (10).
Genome position (GRCh38, 1-based): chr2:127,068,223, C>G on the plus strand (G>C on the coding strand, the complement: BIN1 is on the minus strand). VCF-style: chr2-127068223-C-G. GRCh37 (hg19) VCF-style: chr2-127825799-C-G.
Other names: c.552G>C, p.Gln184His (NM_001320633.2, NM_001320640.2, NM_139344.3 and 1 more transcripts); c.471G>C, p.Gln157His (NM_001320642.1); c.447+701G>C (NM_001320634.1); c.519+701G>C (NM_139351.3, NM_139350.3, NM_139349.3 and 6 more transcripts); short protein forms Q184H, Q157H.
Identifiers: ClinVar variation 2793410 (VCV002793410.3), dbSNP rs2467387894, ClinGen allele CA348367323.

ClinVar aggregate classification (germline): Uncertain significance (1 of 4 stars; one submission).

Conditions:
Myopathy, centronuclear, 2 (CNM2). Also called: MYOTUBULAR MYOPATHY, AUTOSOMAL RECESSIVE. Identifiers: Orphanet 169186, MedGen CN031787, MONDO:0009709, OMIM 255200.

Allele frequency attached by ClinVar (database versions not stated): gnomAD exomes below 0.00001.
gnomAD v4.1: 2 of 1,613,628 alleles (0.00012%); highest among the groups gnomAD compares: Non-Finnish European, 0.00017%; no homozygotes.

Submission:

Labcorp Genetics (formerly Invitae), Labcorp
Classification: Uncertain significance for Myopathy, centronuclear, 2. Last evaluated: 2022-11-29. Review status: criteria provided, single submitter. Criteria: Invitae Variant Classification Sherloc (09022015). Collection method: clinical testing. Allele origin: germline.
Comment: This variant has not been reported in the literature in individuals affected with BIN1-related conditions. Algorithms developed to predict the effect of missense changes on protein structure and function are either unavailable or do not agree on the potential impact of this missense change (SIFT: "Tolerated"; PolyPhen-2: "Probably Damaging"; Align-GVGD: "Class C0"). This variant is not present in population databases (gnomAD no frequency). This sequence change replaces glutamine, which is neutral and polar, with histidine, which is basic and polar, at codon 184 of the BIN1 protein (p.Gln184His). In summary, the available evidence is currently insufficient to determine the role of this variant in disease. Therefore, it has been classified as a Variant of Uncertain Significance.